The following is an entry in ClinVar:

ClinVar aggregate classification (germline): Uncertain significance (1 of 4 stars; one submission).

Conditions:
BRD4-related disorder. Also called: BRD4-related condition.

Submission:

PreventionGenetics, part of Exact Sciences
Classification: Uncertain significance for BRD4-related condition. Last evaluated: 2023-05-18. Review status: criteria provided, single submitter. Criteria: ACMG Guidelines, 2015. Collection method: clinical testing. Allele origin: germline.
Comment: The BRD4 c.2041C>T variant is predicted to result in the amino acid substitution p.Pro681Ser. To our knowledge, this variant has not been reported in the literature or in a large population database, indicating this variant is rare. At this time, the clinical significance of this variant is uncertain due to the absence of conclusive functional and genetic evidence.

NM_001379291.1(BRD4):c.2041C>T (p.Pro681Ser)

Gene: BRD4 (bromodomain containing 4; minus strand). Cytogenetic location: 19p13.12.
Variant type: single nucleotide variant.
Coding change: c.2041C>T on transcript NM_001379291.1 (MANE Select); coding-DNA position 2041, C replaced by T.
Protein change: p.Pro681Ser; replaces proline 681 with serine.
Molecular consequence: missense variant.
Genome position (GRCh38, 1-based): chr19:15,255,303, G>A on the plus strand (C>T on the coding strand, the complement: BRD4 is on the minus strand). VCF-style: chr19-15255303-G-A. GRCh37 (hg19) VCF-style: chr19-15366114-G-A.
Other names: c.2041C>T, p.Pro681Ser (NM_001330384.2, NM_001379292.1, NM_014299.3 and 1 more transcripts); short protein forms P681S.
Identifiers: ClinVar variation 2633318 (VCV002633318.1), dbSNP rs376313107, ClinGen allele CA404518307.